The following is an entry in ClinVar:

NM_000246.4(CIITA):c.695C>A (p.Thr232Asn)

Gene: CIITA (class II major histocompatibility complex transactivator; plus strand). Cytogenetic location: 16p13.13.
Variant type: single nucleotide variant.
Coding change: c.695C>A on transcript NM_000246.4 (MANE Select); coding-DNA position 695, C replaced by A.
Protein change: p.Thr232Asn; replaces threonine 232 with asparagine.
Molecular consequence: missense variant. On other transcripts: non-coding transcript variant (1).
Genome position (GRCh38, 1-based): chr16:10,902,724, C>A. VCF-style: chr16-10902724-C-A. GRCh37 (hg19) VCF-style: chr16-10996581-C-A.
Other names: c.698C>A, p.Thr233Asn (NM_001286402.1, NM_001379332.1); c.548C>A, p.Thr183Asn (NM_001286403.2, NM_001379331.1); c.551C>A, p.Thr184Asn (NM_001379330.1); c.695C>A, p.Thr232Asn (NM_001379333.1); c.626C>A, p.Thr209Asn (NM_001379334.1); short protein forms T184N, T233N, T183N, T209N, T232N.
Identifiers: ClinVar variation 2013704 (VCV002013704.4), dbSNP rs1596534940, ClinGen allele CA394728661.
Genomic context (GRCh38, chr16:10,902,724, plus strand): 5'-TCTCCAGTTCCTCGTTGAGCTGCCTGAATCTCCCTGAGGGACCCATCCAGTTTGTCCCCA[C>A]CATCTCCACTCTGCCCCATGGGCTCTGGCAAATCTCTGAGGCTGGAACAGGGGTCTCCAG-3'
Protein context (NP_000237.2, residues 222-242): LPEGPIQFVP[Thr232Asn]ISTLPHGLWQ

ClinVar aggregate classification (germline): Uncertain significance (1 of 4 stars; one submission).

Conditions:
MHC class II deficiency. Also called: Bare lymphocyte syndrome 2; BLS, TYPE II. Identifiers: Orphanet 572, MedGen C5447452, MONDO:0008855.

Submission:

Labcorp Genetics (formerly Invitae), Labcorp
Classification: Uncertain significance for MHC class II deficiency. Last evaluated: 2022-08-06. Review status: criteria provided, single submitter. Criteria: Invitae Variant Classification Sherloc (09022015). Collection method: clinical testing. Allele origin: germline.
Comment: In summary, the available evidence is currently insufficient to determine the role of this variant in disease. Therefore, it has been classified as a Variant of Uncertain Significance. Algorithms developed to predict the effect of missense changes on protein structure and function are either unavailable or do not agree on the potential impact of this missense change (SIFT: "Deleterious"; PolyPhen-2: "Benign"; Align-GVGD: "Class C0"). This variant has not been reported in the literature in individuals affected with CIITA-related conditions. This variant is not present in population databases (gnomAD no frequency). This sequence change replaces threonine, which is neutral and polar, with asparagine, which is neutral and polar, at codon 232 of the CIITA protein (p.Thr232Asn).